The following is an entry in ClinVar:

ClinVar aggregate classification (germline): Uncertain significance. Review status: criteria provided, multiple submitters, no conflicts (2 of 4 stars). 2 submissions from 2 submitters: Uncertain significance (2). Last evaluated 2025-10-24.

Conditions:
Hypertrophic cardiomyopathy 19. Also called: Familial hypertrophic cardiomyopathy 19. Identifiers: MedGen CN077603, MONDO:0013476.

Allele frequency attached by ClinVar (database versions not stated): TOPMed below 0.00001; ExAC 0.00003; gnomAD 0.00001; gnomAD exomes 0.00001.
gnomAD v4.1: 24 of 1,614,044 alleles (0.0015%); highest among the groups gnomAD compares: South Asian, 0.022%; no homozygotes.

Submissions (2):

Ambry Genetics
Classification: Uncertain significance. Last evaluated: 2025-10-24. Review status: criteria provided, single submitter. Criteria: Ambry Variant Classification Scheme 2023. Collection method: clinical testing. Allele origin: germline.

Labcorp Genetics (formerly Invitae), Labcorp
Classification: Uncertain significance for Hypertrophic cardiomyopathy 19. Last evaluated: 2025-07-21. Review status: criteria provided, single submitter. Criteria: Invitae Variant Classification Sherloc (09022015). Collection method: clinical testing. Allele origin: germline.
Comment: This sequence change replaces glutamine, which is neutral and polar, with proline, which is neutral and non-polar, at codon 257 of the CALR3 protein (p.Gln257Pro). This variant is present in population databases (rs774405654, gnomAD 0.03%). This variant has not been reported in the literature in individuals affected with CALR3-related conditions. ClinVar contains an entry for this variant (Variation ID: 2906896). Invitae Evidence Modeling of protein sequence and biophysical properties (such as structural, functional, and spatial information, amino acid conservation, physicochemical variation, residue mobility, and thermodynamic stability) indicates that this missense variant is not expected to disrupt CALR3 protein function with a negative predictive value of 80%. In summary, the available evidence is currently insufficient to determine the role of this variant in disease. Therefore, it has been classified as a Variant of Uncertain Significance.

NM_145046.5(CALR3):c.770A>C (p.Gln257Pro)

Gene: CALR3 (calreticulin 3; minus strand). Cytogenetic location: 19p13.11.
Variant type: single nucleotide variant.
Coding change: c.770A>C on transcript NM_145046.5 (MANE Select); coding-DNA position 770, A replaced by C.
Protein change: p.Gln257Pro; replaces glutamine 257 with proline.
Molecular consequence: missense variant.
Genome position (GRCh38, 1-based): chr19:16,482,694, T>G on the plus strand (A>C on the coding strand, the complement: CALR3 is on the minus strand). VCF-style: chr19-16482694-T-G. GRCh37 (hg19) VCF-style: chr19-16593505-T-G.
Other names: c.770A>C (NM_145046.3); short protein forms Q257P.
Identifiers: ClinVar variation 2906896 (VCV002906896.4), dbSNP rs774405654, ClinGen allele CA9278300.